The following is an entry in ClinVar:

ClinVar aggregate classification (germline): Uncertain significance (1 of 4 stars; one submission).

Conditions:
Dyskeratosis congenita, autosomal dominant 6 (DKCA6). Identifiers: Orphanet 3322, MedGen C4225284, MONDO:0014690, OMIM 616553.

Allele frequency attached by ClinVar (database versions not stated): TOPMed 0.00001.

Submission:

Labcorp Genetics (formerly Invitae), Labcorp
Classification: Uncertain significance for Dyskeratosis congenita, autosomal dominant 6. Last evaluated: 2022-09-02. Review status: criteria provided, single submitter. Criteria: Invitae Variant Classification Sherloc (09022015). Collection method: clinical testing. Allele origin: germline.
Comment: In summary, the available evidence is currently insufficient to determine the role of this variant in disease. Therefore, it has been classified as a Variant of Uncertain Significance. Algorithms developed to predict the effect of sequence changes on RNA splicing suggest that this variant may disrupt the consensus splice site. This variant has not been reported in the literature in individuals affected with ACD-related conditions. This variant is not present in population databases (gnomAD no frequency). This sequence change affects an acceptor splice site in intron 1 of the ACD gene. It is expected to disrupt RNA splicing. Variants that disrupt the donor or acceptor splice site typically lead to a loss of protein function (PMID: 16199547), however the current clinical and genetic evidence is not sufficient to establish whether loss-of-function variants in ACD cause disease.

Literature cited by the submitters: PubMed 16199547.

NM_001082486.2(ACD):c.100-1G>A

Gene: ACD (ACD shelterin complex subunit and telomerase recruitment factor; minus strand). Cytogenetic location: 16q22.1.
Variant type: single nucleotide variant.
Coding change: c.100-1G>A on transcript NM_001082486.2 (MANE Select); the canonical splice acceptor site of the intron before coding-DNA position 100, G replaced by A.
Molecular consequence: splice acceptor variant. On other transcripts: intron variant (1).
Genome position (GRCh38, 1-based): chr16:67,660,046, C>T on the plus strand (G>A on the coding strand, the complement: ACD is on the minus strand). VCF-style: chr16-67660046-C-T. GRCh37 (hg19) VCF-style: chr16-67693949-C-T.
Other names: c.100-10G>A (NM_022914.3); c.100-1G>A (NM_001410884.1).
Identifiers: ClinVar variation 1936664 (VCV001936664.5), dbSNP rs1307232927, ClinGen allele CA396358067.